The following is an entry in ClinVar:

ClinVar aggregate classification (germline): Uncertain significance (1 of 4 stars; one submission).

Conditions:
RASopathy. Also called: rasopathies; Noonan spectrum disorder. Identifiers: Orphanet 536391, MedGen C5555857, MONDO:0021060.

Submission:

Labcorp Genetics (formerly Invitae), Labcorp
Classification: Uncertain significance for RASopathy. Last evaluated: 2025-01-07. Review status: criteria provided, single submitter. Criteria: Invitae Variant Classification Sherloc (09022015). Collection method: clinical testing. Allele origin: germline.
Comment: This sequence change replaces aspartic acid, which is acidic and polar, with asparagine, which is neutral and polar, at codon 143 of the BRAF protein (p.Asp143Asn). This variant is not present in population databases (gnomAD no frequency). This variant has not been reported in the literature in individuals affected with BRAF-related conditions. Invitae Evidence Modeling of protein sequence and biophysical properties (such as structural, functional, and spatial information, amino acid conservation, physicochemical variation, residue mobility, and thermodynamic stability) has been performed for this missense variant. However, the output from this modeling did not meet the statistical confidence thresholds required to predict the impact of this variant on BRAF protein function. In summary, the available evidence is currently insufficient to determine the role of this variant in disease. Therefore, it has been classified as a Variant of Uncertain Significance.

NM_004333.6(BRAF):c.427G>A (p.Asp143Asn)

Gene: BRAF (B-Raf proto-oncogene, serine/threonine kinase; minus strand). Cytogenetic location: 7q34.
Variant type: single nucleotide variant.
Coding change: c.427G>A on transcript NM_004333.6 (MANE Select); coding-DNA position 427, G replaced by A.
Protein change: p.Asp143Asn; replaces aspartic acid 143 with asparagine.
Molecular consequence: missense variant. On other transcripts: intron variant (1).
Genome position (GRCh38, 1-based): chr7:140,834,686, C>T on the plus strand (G>A on the coding strand, the complement: BRAF is on the minus strand). VCF-style: chr7-140834686-C-T. GRCh37 (hg19) VCF-style: chr7-140534486-C-T.
Other names: c.427G>A, p.Asp143Asn (NM_001354609.2, NM_001374244.1, NM_001374258.1 and 5 more transcripts); c.325G>A, p.Asp109Asn (NM_001378470.1); c.271G>A, p.Asp91Asn (NM_001378472.1, NM_001378473.1); c.240+15425G>A (NM_001378475.1); short protein forms D91N, D143N, D109N.
Identifiers: ClinVar variation 3712047 (VCV003712047.2).